The following is an entry in ClinVar:

ClinVar aggregate classification (germline): Uncertain significance. Review status: criteria provided, multiple submitters, no conflicts (2 of 4 stars). 2 submissions from 2 submitters: Uncertain significance (2). Last evaluated 2025-12-30.

Conditions:
Amyotrophic lateral sclerosis type 1 (ALS1). Also called: AMYOTROPHIC LATERAL SCLEROSIS 1, FAMILIAL. Identifiers: Orphanet 803, MedGen C1862939, MONDO:0007103, OMIM 105400.
Neuronopathy, distal hereditary motor, type 7B. Also called: NEURONOPATHY, DISTAL HEREDITARY MOTOR, AUTOSOMAL DOMINANT 14; NEURONOPATHY, DISTAL HEREDITARY MOTOR, HARDING TYPE VIIB; NEUROPATHY, DISTAL HEREDITARY MOTOR, HARDING TYPE VIIB; NEUROPATHY, DISTAL HEREDITARY MOTOR, WITH VOCAL CORD PARALYSIS, HARDING TYPE VIIB; HMN VIIB; LOWER MOTOR NEURON DISEASE, DYNACTIN TYPE. Identifiers: Orphanet 139589, MedGen C1843315, MONDO:0011879, OMIM 607641.
Perry syndrome. Also called: PARKINSONISM WITH ALVEOLAR HYPOVENTILATION AND MENTAL DEPRESSION. Identifiers: Orphanet 178509, MedGen C1868594, MONDO:0008201, OMIM 168605.

Allele frequency attached by ClinVar (database versions not stated): ExAC 0.00001; gnomAD 0.00001; gnomAD exomes 0.00001; TOPMed 0.00002.
gnomAD v4.1: 11 of 1,614,152 alleles (0.00068%); highest among the groups gnomAD compares: Middle Eastern, 0.016%; no homozygotes.

Submissions (2):

Women's Health and Genetics/Laboratory Corporation of America, LabCorp
Classification: Uncertain significance. Last evaluated: 2025-12-30. Review status: criteria provided, single submitter. Criteria: LabCorp Variant Classification Summary - May 2015. Collection method: clinical testing. Allele origin: germline.
Comment: Variant summary: DCTN1 c.1667A>G (p.Lys556Arg) results in a conservative amino acid change in the encoded protein sequence. Algorithms developed to predict the effect of missense changes on protein structure and function are either unavailable or do not agree on the potential impact of this missense change. The variant allele was found at a frequency of 6.2e-06 in 1607158 control chromosomes (gnomAD v4.1). The observed variant frequency exceeds the estimated maximal expected allele frequency for disease-causing variants in DCTN1. To our knowledge, no occurrence of c.1667A>G in individuals affected with DCTN1-related conditions and no experimental evidence demonstrating its impact on protein function have been reported. ClinVar contains an entry for this variant (Variation ID: 2058805). Based on the evidence outlined above, the variant was classified as VUS-possibly benign.

Labcorp Genetics (formerly Invitae), Labcorp
Classification: Uncertain significance for Amyotrophic lateral sclerosis type 1; Neuronopathy, distal hereditary motor, type 7B; Perry syndrome. Last evaluated: 2022-12-19. Review status: criteria provided, single submitter. Criteria: Invitae Variant Classification Sherloc (09022015). Collection method: clinical testing. Allele origin: germline.
Comment: In summary, the available evidence is currently insufficient to determine the role of this variant in disease. Therefore, it has been classified as a Variant of Uncertain Significance. Algorithms developed to predict the effect of missense changes on protein structure and function (SIFT, PolyPhen-2, Align-GVGD) all suggest that this variant is likely to be disruptive. This variant has not been reported in the literature in individuals affected with DCTN1-related conditions. This variant is present in population databases (rs777105369, gnomAD 0.0009%). This sequence change replaces lysine, which is basic and polar, with arginine, which is basic and polar, at codon 556 of the DCTN1 protein (p.Lys556Arg).

NM_004082.5(DCTN1):c.1667A>G (p.Lys556Arg)

Gene: DCTN1 (dynactin subunit 1; minus strand). Cytogenetic location: 2p13.1.
Variant type: single nucleotide variant.
Coding change: c.1667A>G on transcript NM_004082.5 (MANE Select); coding-DNA position 1667, A replaced by G.
Protein change: p.Lys556Arg; replaces lysine 556 with arginine.
Molecular consequence: missense variant. On other transcripts: non-coding transcript variant (1).
Genome position (GRCh38, 1-based): chr2:74,369,132, T>C on the plus strand (A>G on the coding strand, the complement: DCTN1 is on the minus strand). VCF-style: chr2-74369132-T-C. GRCh37 (hg19) VCF-style: chr2-74596259-T-C.
Other names: c.1607A>G, p.Lys536Arg (NM_001135040.3); c.1265A>G, p.Lys422Arg (NM_001135041.3, NM_023019.4); c.1556A>G, p.Lys519Arg (NM_001190836.2); c.1646A>G, p.Lys549Arg (NM_001190837.2); c.1616A>G, p.Lys539Arg (NM_001378991.1); c.1598A>G, p.Lys533Arg (NM_001378992.1); short protein forms K519R, K422R, K533R, K556R, K536R, K539R, K549R.
Identifiers: ClinVar variation 2058805 (VCV002058805.5), dbSNP rs777105369, ClinGen allele CA1722080.